The following is an entry in ClinVar:

NM_004036.5(ADCY3):c.73C>T (p.Pro25Ser)

Gene: ADCY3 (adenylate cyclase 3; minus strand). Cytogenetic location: 2p23.3.
Variant type: single nucleotide variant.
Coding change: c.73C>T on transcript NM_004036.5 (MANE Select); coding-DNA position 73, C replaced by T.
Protein change: p.Pro25Ser; replaces proline 25 with serine.
Molecular consequence: missense variant.
Genome position (GRCh38, 1-based): chr2:24,918,915, G>A on the plus strand (C>T on the coding strand, the complement: ADCY3 is on the minus strand). VCF-style: chr2-24918915-G-A. GRCh37 (hg19) VCF-style: chr2-25141784-G-A.
Other names: c.73C>T, p.Pro25Ser (NM_001320613.2, NM_001377128.1, NM_001377129.1 and 2 more transcripts); short protein forms P25S.
Identifiers: ClinVar variation 4993886 (VCV004993886.1).

ClinVar aggregate classification (germline): Uncertain significance (1 of 4 stars; one submission).

Conditions:
ADCY3-related disorder. Also called: ADCY3-related condition.

Submission:

PreventionGenetics, part of Exact Sciences
Classification: Uncertain significance for ADCY3-related condition. Last evaluated: 2025-09-15. Review status: criteria provided, single submitter. Criteria: ACMG Guidelines, 2015. Collection method: clinical testing. Allele origin: germline.
Comment: The ADCY3 c.73C>T variant is predicted to result in the amino acid substitution p.Pro25Ser. To our knowledge, this variant has not been reported in the literature or in a large population database (gnomAD), indicating this variant is rare. At this time, the clinical significance of this variant is uncertain due to the absence of conclusive functional and genetic evidence.